The following is an entry in ClinVar:

ClinVar aggregate classification (germline): Uncertain significance (1 of 4 stars; one submission).

Conditions:
Cardiovascular phenotype. Identifiers: MedGen CN230736.

Submission:

Ambry Genetics
Classification: Uncertain significance for Cardiovascular phenotype. Last evaluated: 2021-01-07. Review status: criteria provided, single submitter. Criteria: Ambry Variant Classification Scheme 2023. Collection method: clinical testing. Allele origin: germline.
Comment: The p.L154P variant (also known as c.461T>C), located in coding exon 1 of the DES gene, results from a T to C substitution at nucleotide position 461. The leucine at codon 154 is replaced by proline, an amino acid with similar properties. This amino acid position is not well conserved in available vertebrate species. In addition, this alteration is predicted to be deleterious by in silico analysis. Since supporting evidence is limited at this time, the clinical significance of this alteration remains unclear.

NM_001927.4(DES):c.461T>C (p.Leu154Pro)

Gene: DES (desmin; plus strand). Cytogenetic location: 2q35.
Variant type: single nucleotide variant.
Coding change: c.461T>C on transcript NM_001927.4 (MANE Select); coding-DNA position 461, T replaced by C.
Protein change: p.Leu154Pro; replaces leucine 154 with proline.
Molecular consequence: missense variant.
Genome position (GRCh38, 1-based): chr2:219,418,923, T>C. VCF-style: chr2-219418923-T-C. GRCh37 (hg19) VCF-style: chr2-220283645-T-C.
Other names: c.461T>C, p.Leu154Pro (NM_001382708.1, NM_001382709.1, NM_001382710.1 and 3 more transcripts); short protein forms L154P.
Identifiers: ClinVar variation 1741957 (VCV001741957.2), dbSNP rs755106109, ClinGen allele CA350686407.